The following is an entry in ClinVar:

NM_005876.5(SPEG):c.8598C>T (p.His2866=)

Genes: ASIC4-AS1 (ASIC4 antisense RNA 1; minus strand), SPEG (striated muscle enriched protein kinase; plus strand). Cytogenetic location: 2q35.
Variant type: single nucleotide variant.
Coding change: c.8598C>T on transcript NM_005876.5 (MANE Select); coding-DNA position 8598, C replaced by T.
Protein change: p.His2866=; no amino-acid change (histidine 2866 retained).
Molecular consequence: synonymous variant.
Genome position (GRCh38, 1-based): chr2:219,489,616, C>T. VCF-style: chr2-219489616-C-T. GRCh37 (hg19) VCF-style: chr2-220354338-C-T.
Identifiers: ClinVar variation 740743 (VCV000740743.8), dbSNP rs200305444, ClinGen allele CA2127529.

ClinVar aggregate classification (germline): Likely benign. Review status: criteria provided, single submitter (1 of 4 stars). 2 submissions from 2 submitters: Likely benign (1). 1 of the submissions does not count toward it. Last evaluated 2024-10-15.

Conditions:
SPEG-related disorder. Also called: SPEG-related condition.

Allele frequency attached by ClinVar (database versions not stated): 1000 Genomes Project 30x 0.00016; ESP Exome Variant Server 0.00024; 1000 Genomes Project 0.00020; TOPMed 0.00023.
gnomAD v4.1: 58 of 1,613,840 alleles (0.0036%); highest among the groups gnomAD compares: African/African-American, 0.055%; no homozygotes.

Submissions (2):

Labcorp Genetics (formerly Invitae), Labcorp
Classification: Likely benign. Last evaluated: 2024-10-15. Review status: criteria provided, single submitter. Criteria: Invitae Variant Classification Sherloc (09022015). Collection method: clinical testing. Allele origin: germline.

PreventionGenetics, part of Exact Sciences
Classification: Likely benign for SPEG-related condition. Last evaluated: 2019-03-21. Review status: no assertion criteria provided. Collection method: clinical testing. Allele origin: germline. Not counted in ClinVar's aggregate classification.
Comment: This variant is classified as likely benign based on ACMG/AMP sequence variant interpretation guidelines (Richards et al. 2015 PMID: 25741868, with internal and published modifications).